The following is an entry in ClinVar:

NM_005413.4(SIX3):c.943G>A (p.Asp315Asn)

Gene: SIX3 (SIX homeobox 3; plus strand). Cytogenetic location: 2p21.
Variant type: single nucleotide variant.
Coding change: c.943G>A on transcript NM_005413.4 (MANE Select); coding-DNA position 943, G replaced by A.
Protein change: p.Asp315Asn; replaces aspartic acid 315 with asparagine.
Molecular consequence: missense variant.
Genome position (GRCh38, 1-based): chr2:44,944,704, G>A. VCF-style: chr2-44944704-G-A. GRCh37 (hg19) VCF-style: chr2-45171843-G-A.
Other names: short protein forms D315N.
Identifiers: ClinVar variation 1986625 (VCV001986625.4), dbSNP rs1242705846, ClinGen allele CA346800705.

ClinVar aggregate classification (germline): Uncertain significance (1 of 4 stars; one submission).

Conditions:
Holoprosencephaly 2 (HPE2). Identifiers: Orphanet 2162, MedGen C1834877, MONDO:0007999, OMIM 157170.

Allele frequency attached by ClinVar (database versions not stated): gnomAD exomes 0.00001.

Submission:

Labcorp Genetics (formerly Invitae), Labcorp
Classification: Uncertain significance for Holoprosencephaly 2. Last evaluated: 2023-11-27. Review status: criteria provided, single submitter. Criteria: Invitae Variant Classification Sherloc (09022015). Collection method: clinical testing. Allele origin: germline.
Comment: This sequence change replaces aspartic acid, which is acidic and polar, with asparagine, which is neutral and polar, at codon 315 of the SIX3 protein (p.Asp315Asn). The frequency data for this variant in the population databases is considered unreliable, as metrics indicate poor data quality at this position in the gnomAD database. This variant has not been reported in the literature in individuals affected with SIX3-related conditions. ClinVar contains an entry for this variant (Variation ID: 1986625). An algorithm developed to predict the effect of missense changes on protein structure and function (PolyPhen-2) suggests that this variant is likely to be tolerated. In summary, the available evidence is currently insufficient to determine the role of this variant in disease. Therefore, it has been classified as a Variant of Uncertain Significance.